The following is an entry in ClinVar:

NM_004465.2(FGF10):c.367G>A (p.Val123Ile)

Gene: FGF10 (fibroblast growth factor 10; minus strand). Cytogenetic location: 5p12.
Variant type: single nucleotide variant.
Coding change: c.367G>A on transcript NM_004465.2 (MANE Select); coding-DNA position 367, G replaced by A.
Protein change: p.Val123Ile; replaces valine 123 with isoleucine.
Molecular consequence: missense variant.
Genome position (GRCh38, 1-based): chr5:44,310,489, C>T on the plus strand (G>A on the coding strand, the complement: FGF10 is on the minus strand). VCF-style: chr5-44310489-C-T. GRCh37 (hg19) VCF-style: chr5-44310591-C-T.
Other names: short protein forms V123I.
Identifiers: ClinVar variation 2147681 (VCV002147681.2), dbSNP rs776683911, ClinGen allele CA3258516.

ClinVar aggregate classification (germline): Uncertain significance. Review status: criteria provided, multiple submitters, no conflicts (2 of 4 stars). 2 submissions from 2 submitters: Uncertain significance (2). Last evaluated 2023-12-30.

Conditions:
Congenital absence of salivary gland (ALSG). Also called: Salivary glands, absence of; Aplasia of lacrimal and salivary glands. Identifiers: Orphanet 86815, MedGen C0158667, MONDO:0008397, OMIM 180920.
Lacrimoauriculodentodigital syndrome 3 (LADD3). Also called: LADD syndrome 3. Identifiers: MedGen C5774287, MONDO:0859578, OMIM 620193.

Allele frequency attached by ClinVar (database versions not stated): ExAC 0.00001; gnomAD 0.00001; TOPMed 0.00001.

Submissions (2):

Fulgent Genetics
Classification: Uncertain significance for Congenital absence of salivary gland; Lacrimoauriculodentodigital syndrome 3. Last evaluated: 2023-12-30. Review status: criteria provided, single submitter. Criteria: ACMG Guidelines, 2015. Collection method: clinical testing. Allele origin: germline.

Labcorp Genetics (formerly Invitae), Labcorp
Classification: Uncertain significance. Last evaluated: 2022-03-29. Review status: criteria provided, single submitter. Criteria: Invitae Variant Classification Sherloc (09022015). Collection method: clinical testing. Allele origin: germline.
Comment: This sequence change replaces valine, which is neutral and non-polar, with isoleucine, which is neutral and non-polar, at codon 123 of the FGF10 protein (p.Val123Ile). This variant is present in population databases (rs776683911, gnomAD 0.006%). This variant has not been reported in the literature in individuals affected with FGF10-related conditions. Algorithms developed to predict the effect of missense changes on protein structure and function (SIFT, PolyPhen-2, Align-GVGD) all suggest that this variant is likely to be tolerated. In summary, the available evidence is currently insufficient to determine the role of this variant in disease. Therefore, it has been classified as a Variant of Uncertain Significance.